The following is an entry in ClinVar:

ClinVar aggregate classification (germline): Benign. Review status: criteria provided, multiple submitters, no conflicts (2 of 4 stars). 11 submissions from 11 submitters: Benign (8). 3 of the submissions do not count toward it. Last evaluated 2026-02-04.

Conditions:
HEXB POLYMORPHISM.
Sandhoff disease. Also called: Beta-hexosaminidase-beta-subunit deficiency; GM2 gangliosidosis, type 2; Total hexosaminidase deficiency; Sandhoff-Jatzkewitz-Pilz disease; GM2-GANGLIOSIDOSIS, TYPE II; HEXOSAMINIDASES A AND B DEFICIENCY. Identifiers: Orphanet 796, MedGen C0036161, MONDO:0010006, OMIM 268800.

Allele frequency attached by ClinVar (database versions not stated): gnomAD exomes 0.18273 and 0.19732; ExAC 0.19882; gnomAD 0.20767 and 0.20835; TOPMed 0.21574; 1000 Genomes Project 30x 0.22220; 1000 Genomes Project 0.22264.
gnomAD v4.1: 298,470 of 1,611,362 alleles (19%); highest among the groups gnomAD compares: African/African-American, 27%; 28,987 homozygotes.

Submissions (11):

Labcorp Genetics (formerly Invitae), Labcorp
Classification: Benign for Sandhoff disease. Last evaluated: 2026-02-04. Review status: criteria provided, single submitter. Criteria: Invitae Variant Classification Sherloc (09022015). Collection method: clinical testing. Allele origin: germline.

Fulgent Genetics
Classification: Benign for Sandhoff disease. Last evaluated: 2021-09-21. Review status: criteria provided, single submitter. Criteria: ACMG Guidelines, 2015. Collection method: clinical testing. Allele origin: unknown.

Genome-Nilou Lab
Classification: Benign for Sandhoff disease. Last evaluated: 2021-07-10. Review status: criteria provided, single submitter. Criteria: ACMG Guidelines, 2015. Collection method: clinical testing. Allele origin: germline. Affected: no.

Illumina Laboratory Services, Illumina
Classification: Benign for Sandhoff disease. Last evaluated: 2018-01-12. Review status: criteria provided, single submitter. Criteria: ICSL Variant Classification Criteria 13 December 2019. Collection method: clinical testing. Allele origin: germline.
Comment: This variant was observed in the ICSL laboratory as part of a predisposition screen in an ostensibly healthy population. It had not been previously curated by ICSL or reported in the Human Gene Mutation Database (HGMD: prior to June 1st, 2018), and was therefore a candidate for classification through an automated scoring system. Utilizing variant allele frequency, disease prevalence and penetrance estimates, and inheritance mode, an automated score was calculated to assess if this variant is too frequent to cause the disease. Based on the score and internal cut-off values, a variant classified as benign is not then subjected to further curation. The score for this variant resulted in a classification of benign for this disease.

GeneDx
Classification: Benign. Last evaluated: 2015-03-03. Review status: criteria provided, single submitter. Criteria: GeneDx Variant Classification Process June 2021. Collection method: clinical testing. Allele origin: germline. Affected: yes.

Eurofins Ntd Llc (ga)
Classification: Benign. Last evaluated: 2015-01-30. Review status: criteria provided, single submitter. Criteria: EGL Classification Definitions 2015. Collection method: clinical testing. Allele origin: germline. Observed: 29 variant alleles, 23 heterozygotes, 6 homozygotes.

Breakthrough Genomics
Classification: Benign. Review status: criteria provided, single submitter. Criteria: ACMG Guidelines, 2015. Collection method: not provided. Allele origin: germline. Inheritance: Autosomal recessive inheritance. Affected: yes.

PreventionGenetics, part of Exact Sciences
Classification: Benign. Review status: criteria provided, single submitter. Criteria: ACMG Guidelines, 2015. Collection method: clinical testing. Allele origin: germline.

Natera, Inc.
Classification: Benign for Sandhoff disease. Last evaluated: 2019-10-08. Review status: no assertion criteria provided. Collection method: clinical testing. Allele origin: germline. Not counted in ClinVar's aggregate classification.

Mayo Clinic Laboratories, Mayo Clinic
Classification: Benign. Last evaluated: 2015-12-15. Review status: no assertion criteria provided. Collection method: clinical testing. Allele origin: unknown. Not counted in ClinVar's aggregate classification.

OMIM
Classification: Benign for HEXB POLYMORPHISM. Last evaluated: 1992-02-05. Review status: no assertion criteria provided. Collection method: literature only. Allele origin: germline. Not counted in ClinVar's aggregate classification.

Literature cited by the submitters: PubMed 1531140 (cited by OMIM).

NM_000521.4(HEXB):c.362A>G (p.Lys121Arg)

Gene: HEXB (hexosaminidase subunit beta; plus strand). Cytogenetic location: 5q13.3.
Variant type: single nucleotide variant.
Coding change: c.362A>G on transcript NM_000521.4 (MANE Select); coding-DNA position 362, A replaced by G.
Protein change: p.Lys121Arg; replaces lysine 121 with arginine.
Molecular consequence: missense variant. On other transcripts: 5 prime UTR variant (1).
Genome position (GRCh38, 1-based): chr5:74,689,390, A>G. VCF-style: chr5-74689390-A-G. GRCh37 (hg19) VCF-style: chr5-73985215-A-G.
Other names: c.-314A>G (NM_001292004.2); short protein forms K121R.
Identifiers: ClinVar variation 3874 (VCV000003874.27), dbSNP rs11556045, ClinGen allele CA116481.
Genomic context (GRCh38, chr5:74,689,390, plus strand): 5'-ATCATGGCTATATTTTTGGTTTCTACAAGTGGCATCATGAACCTGCTGAATTCCAGGCTA[A>G]AACCCAGGTTCAGCAACTTCTTGTCTCAATCACCCTTCAGTCAGAGTGTGATGCTTTCCC-3'
Protein context (NP_000512.2, residues 111-131): WHHEPAEFQA[Lys121Arg]TQVQQLLVSI